The following is an entry in ClinVar:

NM_002336.3(LRP6):c.844+5G>A

Gene: LRP6 (LDL receptor related protein 6; minus strand). Cytogenetic location: 12p13.2.
Variant type: single nucleotide variant.
Coding change: c.844+5G>A on transcript NM_002336.3 (MANE Select); 5 bases into the intron after coding-DNA position 844, G replaced by A.
Molecular consequence: intron variant.
Genome position (GRCh38, 1-based): chr12:12,186,918, C>T on the plus strand (G>A on the coding strand, the complement: LRP6 is on the minus strand). VCF-style: chr12-12186918-C-T. GRCh37 (hg19) VCF-style: chr12-12339852-C-T.
Other names: c.844+5G>A (NM_001414245.1, NM_001414255.1, NM_001414251.1 and 5 more transcripts); c.391+5G>A (NM_001414253.1, NM_001414252.1, NM_001414254.1); c.646+5G>A (NM_001414247.1).
Identifiers: ClinVar variation 2642735 (VCV002642735.24), dbSNP rs879010619, ClinGen allele CA233000282.

ClinVar aggregate classification (germline): Likely benign (1 of 4 stars; one submission).

Allele frequency attached by ClinVar (database versions not stated): gnomAD exomes below 0.00001; gnomAD 0.00001; TOPMed 0.00001.
gnomAD v4.1: 6 of 1,613,690 alleles (0.00037%); highest among the groups gnomAD compares: Admixed American, 0.0017%; no homozygotes.

Submission:

CeGaT Center for Human Genetics Tuebingen
Classification: Likely benign. Last evaluated: 2022-04-01. Review status: criteria provided, single submitter. Criteria: CeGaT Center For Human Genetics Tuebingen Variant Classification Criteria Version 2. Collection method: clinical testing. Allele origin: germline. Affected: yes. Observed: 1 variant allele.
Comment: LRP6: BP4